The following is an entry in ClinVar:

NM_001291415.2(KDM6A):c.3309T>G (p.Asn1103Lys)

Gene: KDM6A (lysine demethylase 6A; plus strand). Cytogenetic location: Xp11.3.
Variant type: single nucleotide variant.
Coding change: c.3309T>G on transcript NM_001291415.2 (MANE Select); coding-DNA position 3309, T replaced by G.
Protein change: p.Asn1103Lys; replaces asparagine 1103 with lysine.
Molecular consequence: missense variant. On other transcripts: non-coding transcript variant (1).
Genome position (GRCh38, 1-based): chrX:45,082,584, T>G. VCF-style: chrX-45082584-T-G. GRCh37 (hg19) VCF-style: chrX-44941829-T-G.
Other names: c.3174T>G, p.Asn1058Lys (NM_001291416.2, NM_001419811.1); c.3018T>G, p.Asn1006Lys (NM_001291417.2); c.2916T>G, p.Asn972Lys (NM_001291418.2, NM_001419815.1); c.2265T>G, p.Asn755Lys (NM_001291421.2); c.3051T>G, p.Asn1017Lys (NM_001410742.1, NM_001419814.1); c.3309T>G, p.Asn1103Lys (NM_001419809.1); c.3207T>G, p.Asn1069Lys (NM_001419810.1, NM_001419813.1); c.3153T>G, p.Asn1051Lys (NM_001419812.1, NM_021140.4); short protein forms N1006K, N1103K, N1017K, N1069K, N1051K, N1058K, N972K, N755K.
Identifiers: ClinVar variation 2755020 (VCV002755020.3), dbSNP rs2523219171, ClinGen allele CA412802581.

ClinVar aggregate classification (germline): Uncertain significance (1 of 4 stars; one submission).

Conditions:
Kabuki syndrome 2 (KABUK2). Also called: KDM6A-Related Kabuki Syndrome. Identifiers: Orphanet 2322, MedGen C3275495, MONDO:0010465, OMIM 300867.

Submission:

Labcorp Genetics (formerly Invitae), Labcorp
Classification: Uncertain significance for Kabuki syndrome 2. Last evaluated: 2023-08-24. Review status: criteria provided, single submitter. Criteria: Invitae Variant Classification Sherloc (09022015). Collection method: clinical testing. Allele origin: germline.
Comment: This variant has not been reported in the literature in individuals affected with KDM6A-related conditions. In summary, the available evidence is currently insufficient to determine the role of this variant in disease. Therefore, it has been classified as a Variant of Uncertain Significance. Advanced modeling of protein sequence and biophysical properties (such as structural, functional, and spatial information, amino acid conservation, physicochemical variation, residue mobility, and thermodynamic stability) has been performed at Invitae for this missense variant, however the output from this modeling did not meet the statistical confidence thresholds required to predict the impact of this variant on KDM6A protein function. This variant is not present in population databases (gnomAD no frequency). This sequence change replaces asparagine, which is neutral and polar, with lysine, which is basic and polar, at codon 1051 of the KDM6A protein (p.Asn1051Lys).